The following is an entry in ClinVar:

ClinVar aggregate classification (germline): Pathogenic/Likely pathogenic. Review status: criteria provided, multiple submitters, no conflicts (2 of 4 stars). 2 submissions from 2 submitters: Pathogenic (1); Likely pathogenic (1). Last evaluated 2024-04-07.

Conditions:
Primary ciliary dyskinesia. Also called: Ciliary dyskinesia. Identifiers: Orphanet 244, MedGen C0008780, MONDO:0016575, HP:0012265.
DNAH11-related disorders.

Submissions (2):

Labcorp Genetics (formerly Invitae), Labcorp
Classification: Pathogenic for Primary ciliary dyskinesia. Last evaluated: 2024-04-07. Review status: criteria provided, single submitter. Criteria: Invitae Variant Classification Sherloc (09022015). Collection method: clinical testing. Allele origin: germline.
Comment: This sequence change creates a premature translational stop signal (p.Asn2715Thrfs*14) in the DNAH11 gene. It is expected to result in an absent or disrupted protein product. Loss-of-function variants in DNAH11 are known to be pathogenic (PMID: 18022865, 20513915, 22184204). This variant is not present in population databases (gnomAD no frequency). This variant has not been reported in the literature in individuals affected with DNAH11-related conditions. ClinVar contains an entry for this variant (Variation ID: 953587). For these reasons, this variant has been classified as Pathogenic.

Blueprint Genetics
Classification: Likely pathogenic for DNAH11-related disorders. Last evaluated: 2018-07-06. Review status: criteria provided, single submitter. Criteria: ACMG Guidelines, 2015. Collection method: clinical testing. Allele origin: germline. Affected: yes. Observed: 1 variant allele.

Literature cited by the submitters: PubMed 18022865 (cited by Labcorp Genetics (formerly Invitae), Labcorp); PubMed 20513915 (cited by Labcorp Genetics (formerly Invitae), Labcorp); PubMed 22184204 (cited by Labcorp Genetics (formerly Invitae), Labcorp).

NM_001277115.2(DNAH11):c.8144del (p.Asn2715fs)

Gene: DNAH11 (dynein axonemal heavy chain 11; plus strand). Cytogenetic location: 7p15.3.
Variant type: Deletion.
Coding change: c.8144del on transcript NM_001277115.2 (MANE Select); coding-DNA position 8144, one base deleted (A; older notation c.8144delA).
Protein change: p.Asn2715fs; shifts the reading frame from asparagine 2715.
Molecular consequence: frameshift variant.
Genome position (GRCh38, 1-based): chr7:21,742,156, A deleted; the last of 3 consecutive A bases (chr7:21,742,154-21,742,156); deleting any one gives the same sequence. VCF-style (leftmost placement, unchanged base first): chr7-21742153-CA-C. GRCh37 (hg19) VCF-style: chr7-21781771-CA-C.
Other names: short protein forms N2715fs.
Identifiers: ClinVar variation 953587 (VCV000953587.9), dbSNP rs1785934565, ClinGen allele CA1139660000.